The following is an entry in ClinVar:

NM_022455.5(NSD1):c.1372G>C (p.Glu458Gln)

Gene: NSD1 (nuclear receptor binding SET domain protein 1; plus strand). Cytogenetic location: 5q35.3.
Variant type: single nucleotide variant.
Coding change: c.1372G>C on transcript NM_022455.5 (MANE Select); coding-DNA position 1372, G replaced by C.
Protein change: p.Glu458Gln; replaces glutamic acid 458 with glutamine.
Molecular consequence: missense variant.
Genome position (GRCh38, 1-based): chr5:177,209,771, G>C. VCF-style: chr5-177209771-G-C. GRCh37 (hg19) VCF-style: chr5-176636772-G-C.
Other names: c.499G>C, p.Glu167Gln (NM_001365684.2, NM_001409306.1, NM_001409307.1 and 3 more transcripts); c.1372G>C, p.Glu458Gln (NM_001409301.1, NM_001409302.1, NM_001409303.1); c.952G>C, p.Glu318Gln (NM_001409304.1); c.619G>C, p.Glu207Gln (NM_001409305.1); short protein forms E189Q, E458Q, E167Q, E318Q, E207Q.
Identifiers: ClinVar variation 1695756 (VCV001695756.2), dbSNP rs2149842728, ClinGen allele CA362309048.

ClinVar aggregate classification (germline): Uncertain significance (1 of 4 stars; one submission).

Submission:

GeneDx
Classification: Uncertain significance. Last evaluated: 2022-01-10. Review status: criteria provided, single submitter. Criteria: GeneDx Variant Classification Process June 2021. Collection method: clinical testing. Allele origin: germline. Affected: yes.
Comment: Not observed at significant frequency in large population cohorts (gnomAD); In silico analysis supports that this missense variant does not alter protein structure/function; Has not been previously published as pathogenic or benign to our knowledge